The following is an entry in ClinVar:

ClinVar aggregate classification (germline): Benign/Likely benign. Review status: criteria provided, multiple submitters, no conflicts (2 of 4 stars). 2 submissions from 2 submitters: Benign (1); Likely benign (1). Last evaluated 2025-12-18.

Conditions:
STT3B-congenital disorder of glycosylation. Also called: STT3B-CDG; CDG Ix; Congenital disorder of glycosylation type 1x. Identifiers: Orphanet 370924, MedGen C2931007, MONDO:0014271, OMIM 615597.

Allele frequency attached by ClinVar (database versions not stated): gnomAD exomes 0.00029 and 0.00065; ExAC 0.00087; gnomAD 0.00274 and 0.00288; 1000 Genomes Project 30x 0.00312; TOPMed 0.00329; ESP Exome Variant Server 0.00331; 1000 Genomes Project 0.00359.
gnomAD v4.1: 838 of 1,535,180 alleles (0.055%); highest among the groups gnomAD compares: African/African-American, 0.97%; 3 homozygotes.

Submissions (2):

Labcorp Genetics (formerly Invitae), Labcorp
Classification: Benign for STT3B-congenital disorder of glycosylation. Last evaluated: 2025-12-18. Review status: criteria provided, single submitter. Criteria: Invitae Variant Classification Sherloc (09022015). Collection method: clinical testing. Allele origin: germline.

GeneDx
Classification: Likely benign. Last evaluated: 2017-09-18. Review status: criteria provided, single submitter. Criteria: GeneDx Variant Classification (06012015). Collection method: clinical testing. Allele origin: germline. Affected: yes.
Comment: This variant is considered likely benign or benign based on one or more of the following criteria: it is a conservative change, it occurs at a poorly conserved position in the protein, it is predicted to be benign by multiple in silico algorithms, and/or has population frequency not consistent with disease.

NM_178862.3(STT3B):c.1172+15A>G

Gene: STT3B (STT3 oligosaccharyltransferase complex catalytic subunit B; plus strand). Cytogenetic location: 3p23.
Variant type: single nucleotide variant.
Coding change: c.1172+15A>G on transcript NM_178862.3 (MANE Select); 15 bases into the intron after coding-DNA position 1172, A replaced by G.
Molecular consequence: intron variant.
Genome position (GRCh38, 1-based): chr3:31,618,003, A>G. VCF-style: chr3-31618003-A-G. GRCh37 (hg19) VCF-style: chr3-31659495-A-G.
Identifiers: ClinVar variation 391243 (VCV000391243.10), dbSNP rs60153256, ClinGen allele CA2295136.